The following is an entry in ClinVar:

NM_006767.4(LZTR1):c.1997T>A (p.Phe666Tyr)

Gene: LZTR1 (leucine zipper like post translational regulator 1; plus strand). Cytogenetic location: 22q11.21.
Variant type: single nucleotide variant.
Coding change: c.1997T>A on transcript NM_006767.4 (MANE Select); coding-DNA position 1997, T replaced by A.
Protein change: p.Phe666Tyr; replaces phenylalanine 666 with tyrosine.
Molecular consequence: missense variant.
Genome position (GRCh38, 1-based): chr22:20,995,800, T>A. VCF-style: chr22-20995800-T-A. GRCh37 (hg19) VCF-style: chr22-21350089-T-A.
Other names: short protein forms F666Y.
Identifiers: ClinVar variation 3541601 (VCV003541601.1).

ClinVar aggregate classification (germline): Uncertain significance (1 of 4 stars; one submission).

Conditions:
Hereditary cancer-predisposing syndrome. Also called: Hereditary Cancer Syndrome; Hereditary neoplastic syndrome; Tumor predisposition; Neoplastic Syndromes, Hereditary. Identifiers: Orphanet 140162, MedGen C0027672, MeSH D009386, MONDO:0015356.
Cardiovascular phenotype. Identifiers: MedGen CN230736.

Submission:

Ambry Genetics
Classification: Uncertain significance for Cardiovascular phenotype; Hereditary cancer-predisposing syndrome. Last evaluated: 2024-08-07. Review status: criteria provided, single submitter. Criteria: Ambry Variant Classification Scheme 2023. Collection method: clinical testing. Allele origin: germline.
Comment: The p.F666Y variant (also known as c.1997T>A), located in coding exon 17 of the LZTR1 gene, results from a T to A substitution at nucleotide position 1997. The phenylalanine at codon 666 is replaced by tyrosine, an amino acid with highly similar properties. This amino acid position is conserved. In addition, the in silico prediction for this alteration is inconclusive. Based on the available evidence, the clinical significance of this variant remains unclear.